The following is an entry in ClinVar:

NM_000463.3(UGT1A1):c.1071A>G (p.Gln357=)

Genes: UGT1A3 (UDP glucuronosyltransferase family 1 member A3; plus strand), UGT1A4 (UDP glucuronosyltransferase family 1 member A4; plus strand), UGT1A5 (UDP glucuronosyltransferase family 1 member A5; plus strand), UGT1A7 (UDP glucuronosyltransferase family 1 member A7; plus strand), UGT1A8 (UDP glucuronosyltransferase family 1 member A8; plus strand) and 5 more. Cytogenetic location: 2q37.1.
Variant type: single nucleotide variant.
Coding change: c.1071A>G on transcript NM_000463.3 (MANE Select); coding-DNA position 1071, A replaced by G.
Protein change: p.Gln357=; no amino-acid change (glutamine 357 retained).
Molecular consequence: synonymous variant.
Genome position (GRCh38, 1-based): chr2:233,767,923, A>G. VCF-style: chr2-233767923-A-G. GRCh37 (hg19) VCF-style: chr2-234676569-A-G.
Other names: c.1062A>G, p.Gln354= (NM_019075.4, NM_019076.5, NM_019077.3 and 1 more transcripts); c.1068A>G, p.Gln356= (NM_001072.4); c.267A>G, p.Gln89= (NM_205862.3); c.1074A>G, p.Gln358= (NM_019078.2, NM_007120.3, NM_019093.4).
Identifiers: ClinVar variation 1350364 (VCV001350364.8), dbSNP rs553243445, ClinGen allele CA2179983.

ClinVar aggregate classification (germline): Likely benign. Review status: criteria provided, single submitter (1 of 4 stars). 2 submissions from 2 submitters: Likely benign (1). 1 of the submissions does not count toward it. Last evaluated 2025-12-24.

Conditions:
UGT1A1-related disorder. Also called: UGT1A1-related disorders; UGT1A1-related condition.

Allele frequency attached by ClinVar (database versions not stated): gnomAD 0.00002 and 0.00003; TOPMed 0.00002; gnomAD exomes 0.00003; ExAC 0.00005.
gnomAD v4.1: 45 of 1,614,102 alleles (0.0028%); highest among the groups gnomAD compares: Middle Eastern, 0.016%; no homozygotes.

Submissions (2):

Labcorp Genetics (formerly Invitae), Labcorp
Classification: Likely benign. Last evaluated: 2025-12-24. Review status: criteria provided, single submitter. Criteria: Invitae Variant Classification Sherloc (09022015). Collection method: clinical testing. Allele origin: germline.

PreventionGenetics, part of Exact Sciences
Classification: Likely benign for UGT1A1-related condition. Last evaluated: 2022-08-05. Review status: no assertion criteria provided. Collection method: clinical testing. Allele origin: germline. Not counted in ClinVar's aggregate classification.
Comment: This variant is classified as likely benign based on ACMG/AMP sequence variant interpretation guidelines (Richards et al. 2015 PMID: 25741868, with internal and published modifications).